The following is an entry in ClinVar:

ClinVar aggregate classification (germline): Uncertain significance (1 of 4 stars; one submission).

Conditions:
Emery-Dreifuss muscular dystrophy 4, autosomal dominant (EDMD4). Also called: EMERY-DREIFUSS MUSCULAR DYSTROPHY 4 WITH VARIABLE FEATURES. Identifiers: Orphanet 261, MedGen C2751807, MONDO:0013071, OMIM 612998.
Autosomal recessive ataxia, Beauce type. Also called: SYNE1 Deficiency; Spinocerebellar ataxia, autosomal recessive 8; ATAXIA, RECESSIVE, OF BEAUCE; SYNE1-Related Autosomal Recessive Cerebellar Ataxia. Identifiers: Orphanet 88644, MedGen C1853116, MONDO:0012549, OMIM 610743.

Allele frequency attached by ClinVar (database versions not stated): gnomAD 0.00001; TOPMed 0.00001.
gnomAD v4.1: 5 of 1,613,962 alleles (0.00031%); highest among the groups gnomAD compares: African/African-American, 0.0013%; no homozygotes.

Submission:

Labcorp Genetics (formerly Invitae), Labcorp
Classification: Uncertain significance for Emery-Dreifuss muscular dystrophy 4, autosomal dominant; Autosomal recessive ataxia, Beauce type. Last evaluated: 2024-11-11. Review status: criteria provided, single submitter. Criteria: Invitae Variant Classification Sherloc (09022015). Collection method: clinical testing. Allele origin: germline.
Comment: This sequence change replaces arginine, which is basic and polar, with glutamine, which is neutral and polar, at codon 3790 of the SYNE1 protein (p.Arg3790Gln). This variant is not present in population databases (gnomAD no frequency). This variant has not been reported in the literature in individuals affected with SYNE1-related conditions. ClinVar contains an entry for this variant (Variation ID: 2040575). An algorithm developed to predict the effect of missense changes on protein structure and function (PolyPhen-2) suggests that this variant is likely to be disruptive. In summary, the available evidence is currently insufficient to determine the role of this variant in disease. Therefore, it has been classified as a Variant of Uncertain Significance.

NM_182961.4(SYNE1):c.11414G>A (p.Arg3805Gln)

Gene: SYNE1 (spectrin repeat containing nuclear envelope protein 1; minus strand). Cytogenetic location: 6q25.2.
Variant type: single nucleotide variant.
Coding change: c.11414G>A on transcript NM_182961.4 (MANE Select); coding-DNA position 11414, G replaced by A.
Protein change: p.Arg3805Gln; replaces arginine 3805 with glutamine.
Molecular consequence: missense variant.
Genome position (GRCh38, 1-based): chr6:152,352,193, C>T on the plus strand (G>A on the coding strand, the complement: SYNE1 is on the minus strand). VCF-style: chr6-152352193-C-T. GRCh37 (hg19) VCF-style: chr6-152673328-C-T.
Other names: c.11369G>A, p.Arg3790Gln (NM_033071.5); short protein forms R3790Q, R3805Q.
Identifiers: ClinVar variation 2040575 (VCV002040575.4), dbSNP rs754270893, ClinGen allele CA150198903.
Genomic context (GRCh38, chr6:152,352,193, plus strand): 5'-CATTTATCTGAGAATTCCTTTGCTAAATGAAGACCTTTTTCCAGCGTCATGTGTTCTTTC[C>T]GGACAGTGCTGGTCAGTTCCTTCAACTGCTCCATGTGATCATGAATCTCCTTTCTTAACC-3'
Protein context (NP_892006.3, residues 3795-3815): EQLKELTSTV[Arg3805Gln]KEHMTLEKGL